The following is an entry in ClinVar:

ClinVar aggregate classification (germline): Benign/Likely benign. Review status: criteria provided, multiple submitters, no conflicts (2 of 4 stars). 4 submissions from 4 submitters: Benign (3); Likely benign (1). Last evaluated 2026-02-01.

Conditions:
ARHGEF18-related disorder. Also called: ARHGEF18-related condition.

Allele frequency attached by ClinVar (database versions not stated): gnomAD exomes 0.00069 and 0.00155; ExAC 0.00297; 1000 Genomes Project 0.00559; 1000 Genomes Project 30x 0.00625; gnomAD 0.00702 and 0.00751; ESP Exome Variant Server 0.00718; TOPMed 0.00807.
gnomAD v4.1: 2,097 of 1,600,820 alleles (0.13%); highest among the groups gnomAD compares: African/African-American, 2.5%; 19 homozygotes.

Submissions (4):

Labcorp Genetics (formerly Invitae), Labcorp
Classification: Benign. Last evaluated: 2026-02-01. Review status: criteria provided, single submitter. Criteria: Invitae Variant Classification Sherloc (09022015). Collection method: clinical testing. Allele origin: germline.

Blueprint Genetics
Classification: Likely benign. Last evaluated: 2024-11-26. Review status: criteria provided, single submitter. Criteria: ACMG Guidelines, 2015. Collection method: clinical testing. Allele origin: germline.

PreventionGenetics, part of Exact Sciences
Classification: Benign for ARHGEF18-related condition. Last evaluated: 2024-11-15. Review status: criteria provided, single submitter. Criteria: ACMG Guidelines, 2015. Collection method: clinical testing. Allele origin: germline.
Comment: This variant is classified as benign based on ACMG/AMP sequence variant interpretation guidelines (Richards et al. 2015 PMID: 25741868, with internal and published modifications).

Breakthrough Genomics
Classification: Benign. Review status: criteria provided, single submitter. Criteria: ACMG Guidelines, 2015. Collection method: not provided. Allele origin: germline. Inheritance: Autosomal recessive inheritance. Affected: yes.

NM_001367823.1(ARHGEF18):c.2709C>T (p.Ser903=)

Gene: ARHGEF18 (Rho/Rac guanine nucleotide exchange factor 18; plus strand). Cytogenetic location: 19p13.2.
Variant type: single nucleotide variant.
Coding change: c.2709C>T on transcript NM_001367823.1 (MANE Select); coding-DNA position 2709, C replaced by T.
Protein change: p.Ser903=; no amino-acid change (serine 903 retained).
Molecular consequence: synonymous variant.
Genome position (GRCh38, 1-based): chr19:7,463,891, C>T. VCF-style: chr19-7463891-C-T. GRCh37 (hg19) VCF-style: chr19-7528777-C-T.
Other names: c.1983C>T, p.Ser661= (NM_001130955.2); c.1671C>T, p.Ser557= (NM_001367824.1, NM_015318.4).
Identifiers: ClinVar variation 788465 (VCV000788465.13), dbSNP rs79442325, ClinGen allele CA9136952.
Genomic context (GRCh38, chr19:7,463,891, plus strand): 5'-GAGCCTGATCTGCAGGCAGCTGGGCAGCGCCAACGGCCAGGCGGAAGACGGAGGCAGCTC[C>T]ACAGGCCCGCCCAGGAGGGCTGAGACCTTCGCGGGCTACGACTGCACAAACAGCCCCACC-3'
Protein context (NP_001354752.1, residues 893-913): ANGQAEDGGS[Ser903=]TGPPRRAETF